The following is an entry in ClinVar:

NM_001854.4(COL11A1):c.4067_4068del (p.Pro1356fs)

Gene: COL11A1 (collagen type XI alpha 1 chain; minus strand). Cytogenetic location: 1p21.1.
Variant type: Deletion.
Coding change: c.4067_4068del on transcript NM_001854.4 (MANE Select); coding-DNA positions 4067 to 4068, 2 bases deleted (CA; older notation c.4067_4068delCA).
Protein change: p.Pro1356fs; shifts the reading frame from proline 1356.
Molecular consequence: frameshift variant. On other transcripts: non-coding transcript variant (1).
Genome position (GRCh38, 1-based): chr1:102,912,177-102,912,178, TG deleted on the plus strand (CA on the coding strand, the reverse complement: COL11A1 is on the minus strand). VCF-style (leftmost placement, unchanged base first): chr1-102912176-CTG-C. GRCh37 (hg19) VCF-style: chr1-103377732-CTG-C.
Other names: c.3719_3720delCA, p.Pro1240Argfs (NM_001168249.1); c.3950_3951del, p.Pro1317fs (NM_001190709.2); c.4103_4104del, p.Pro1368fs (NM_080629.3); c.3719_3720del, p.Pro1240fs (NM_080630.4); short protein forms P1368fs, P1356fs, P1240fs, P1317fs.
Identifiers: ClinVar variation 2848595 (VCV002848595.3), dbSNP rs2524455153, ClinGen allele CA2739275127.

ClinVar aggregate classification (germline): Pathogenic (1 of 4 stars; one submission).

Submission:

Labcorp Genetics (formerly Invitae), Labcorp
Classification: Pathogenic. Last evaluated: 2024-07-13. Review status: criteria provided, single submitter. Criteria: Invitae Variant Classification Sherloc (09022015). Collection method: clinical testing. Allele origin: germline.
Comment: This sequence change creates a premature translational stop signal (p.Pro1356Argfs*20) in the COL11A1 gene. It is expected to result in an absent or disrupted protein product. Loss-of-function variants in COL11A1 are known to be pathogenic (PMID: 20513134, 21035103, 23922384, 25240749, 32427345, 32756486). This variant is not present in population databases (gnomAD no frequency). This variant has not been reported in the literature in individuals affected with COL11A1-related conditions. For these reasons, this variant has been classified as Pathogenic.

Literature cited by the submitters: PubMed 20513134; PubMed 21035103; PubMed 23922384; PubMed 25240749; PubMed 32427345; PubMed 32756486.